The following is an entry in ClinVar:

NM_006904.7(PRKDC):c.1411A>G (p.Lys471Glu)

Gene: PRKDC (protein kinase, DNA-activated, catalytic subunit; minus strand). Cytogenetic location: 8q11.21.
Variant type: single nucleotide variant.
Coding change: c.1411A>G on transcript NM_006904.7 (MANE Select); coding-DNA position 1411, A replaced by G.
Protein change: p.Lys471Glu; replaces lysine 471 with glutamic acid.
Molecular consequence: missense variant.
Genome position (GRCh38, 1-based): chr8:47,935,768, T>C on the plus strand (A>G on the coding strand, the complement: PRKDC is on the minus strand). VCF-style: chr8-47935768-T-C. GRCh37 (hg19) VCF-style: chr8-48848328-T-C.
Other names: c.1411A>G, p.Lys471Glu (NM_001081640.2); short protein forms K471E.
Identifiers: ClinVar variation 1772038 (VCV001772038.2), dbSNP rs780873090, ClinGen allele CA4741745.
Genomic context (GRCh38, chr8:47,935,768, plus strand): 5'-AAATACAATAAATTGCAAACTTACCCACAGTACTAATGCAATTCCTGAGAACTGGCCCTT[T>C]TGCTGCCAAAGCTAGGAACACCTTCACTATGGCTCTGCAACACACCAGCTGCATTTTTGG-3'
Protein context (NP_008835.5, residues 461-481): IVKVFLALAA[Lys471Glu]GPVLRNCIST

ClinVar aggregate classification (germline): Uncertain significance (1 of 4 stars; one submission).

Allele frequency attached by ClinVar (database versions not stated): gnomAD exomes below 0.00001; ExAC 0.00001.
gnomAD v4.1: 1 of 1,613,908 alleles (0.000062%); highest among the groups gnomAD compares: Non-Finnish European, 0.000085%; no homozygotes.

Submission:

Ambry Genetics
Classification: Uncertain significance. Last evaluated: 2021-12-11. Review status: criteria provided, single submitter. Criteria: Ambry Variant Classification Scheme 2023. Collection method: clinical testing. Allele origin: germline.
Comment: The p.K471E variant (also known as c.1411A>G), located in coding exon 13 of the PRKDC gene, results from an A to G substitution at nucleotide position 1411. The lysine at codon 471 is replaced by glutamic acid, an amino acid with similar properties. This amino acid position is conserved. In addition, the in silico prediction for this alteration is inconclusive. Since supporting evidence is limited at this time, the clinical significance of this alteration remains unclear.